The following is an entry in ClinVar:

ClinVar aggregate classification (germline): Likely pathogenic (1 of 4 stars; one submission).

Conditions:
Blepharophimosis - intellectual disability syndrome, SBBYS type (SBBYSS). Also called: Ohdo syndrome, SBBYS variant; SBBYSS syndrome; Say-Barber-Biesecker-Young-Simpson syndrome; Say-Barber-Biesecker-Young-Simpson variant of Ohdo Syndrome; Say-Barber-Biesecker Variant of Ohdo Syndrome; Say-Barber-Biesecker variant of Ohdo syndrome (SBBYSS). Identifiers: Orphanet 3047, MedGen C1863557, MONDO:0011365, OMIM 603736.

Submission:

Equipe Genetique des Anomalies du Developpement, Université de Bourgogne
Classification: Likely pathogenic for Blepharophimosis - intellectual disability syndrome, SBBYS type. Last evaluated: 2023-08-03. Review status: criteria provided, single submitter. Criteria: ACMG Guidelines, 2015. Collection method: clinical testing. Allele origin: de novo. Affected: yes.
Comment: This c.5014A>G missense variant present in a heterozygous state is predicted to impact a preserved amino acid by substituting serine with glycine. This variant is not reported in gnomAD (v3.1.2). In silico prediction scores are in favour of a deleterious effect. Pathogenic monoallelic variants in the KAT6B gene are responsible for Say-Barber-Biesecker-Young-Simpson syndrome (OMIM #603736) and genitopatellar syndrome (OMIM #606170). According to available evidence, this variant is considered to be likely pathogenic.

NM_012330.4(KAT6B):c.5014A>G (p.Ser1672Gly)

Gene: KAT6B (lysine acetyltransferase 6B; plus strand). Cytogenetic location: 10q22.2.
Variant type: single nucleotide variant.
Coding change: c.5014A>G on transcript NM_012330.4 (MANE Select); coding-DNA position 5014, A replaced by G.
Protein change: p.Ser1672Gly; replaces serine 1672 with glycine.
Molecular consequence: missense variant.
Genome position (GRCh38, 1-based): chr10:75,029,838, A>G. VCF-style: chr10-75029838-A-G. GRCh37 (hg19) VCF-style: chr10-76789596-A-G.
Other names: c.4465A>G, p.Ser1489Gly (NM_001256468.2, NM_001370138.1); c.4138A>G, p.Ser1380Gly (NM_001256469.2, NM_001370139.1, NM_001370140.1 and 2 more transcripts); c.3976A>G, p.Ser1326Gly (NM_001370132.1); c.3325A>G, p.Ser1109Gly (NM_001370133.1); c.2929A>G, p.Ser977Gly (NM_001370134.1); c.2671A>G, p.Ser891Gly (NM_001370135.1); c.5014A>G, p.Ser1672Gly (NM_001370136.1, NM_001370137.1); c.3949A>G, p.Ser1317Gly (NM_001370143.1, NM_001370144.1); short protein forms S1326G, S891G, S1317G, S1380G, S977G, S1109G, S1672G, S1489G.
Identifiers: ClinVar variation 3893187 (VCV003893187.1).